The following is an entry in ClinVar:

NM_000059.4(BRCA2):c.4641T>A (p.Asp1547Glu)

Gene: BRCA2 (BRCA2 DNA repair associated; plus strand). Cytogenetic location: 13q13.1.
Variant type: single nucleotide variant.
Coding change: c.4641T>A on transcript NM_000059.4 (MANE Select); coding-DNA position 4641, T replaced by A.
Protein change: p.Asp1547Glu; replaces aspartic acid 1547 with glutamic acid.
Molecular consequence: missense variant.
Genome position (GRCh38, 1-based): chr13:32,338,996, T>A. VCF-style: chr13-32338996-T-A. GRCh37 (hg19) VCF-style: chr13-32913133-T-A.
Other names: c.4641T>A, p.Asp1547Glu (NM_001406719.1, NM_001406720.1); short protein forms D1547E.
Identifiers: ClinVar variation 1742114 (VCV001742114.12), dbSNP rs2137508622, ClinGen allele CA387782145.
Genomic context (GRCh38, chr13:32,338,996, plus strand): 5'-TAGCGGGAAAAAAGTTAAAATTGCAAAGGAATCTTTGGACAAAGTGAAAAACCTTTTTGA[T>A]GAAAAAGAGCAAGGTACTAGTGAAATCACCAGTTTTAGCCATCAATGGGCAAAGACCCTA-3'
Protein context (NP_000050.3, residues 1537-1557): ESLDKVKNLF[Asp1547Glu]EKEQGTSEIT

ClinVar aggregate classification (germline): Conflicting classifications of pathogenicity. Review status: criteria provided, conflicting classifications (1 of 4 stars). 5 submissions from 5 submitters: Uncertain significance (4); Likely benign (1). Last evaluated 2024-11-13.

Conditions:
Familial prostate cancer. Also called: Hereditary Prostate Cancer. Identifiers: MedGen C2931456, MONDO:0700275, OMIM 176807.
Hereditary cancer-predisposing syndrome. Also called: Hereditary neoplastic syndrome; Neoplastic Syndromes, Hereditary; Tumor predisposition; Hereditary Cancer Syndrome. Identifiers: Orphanet 140162, MedGen C0027672, MeSH D009386, MONDO:0015356.
Hereditary breast ovarian cancer syndrome. Also called: BRCA1- and BRCA2-Associated Hereditary Breast and Ovarian Cancer; Hereditary breast and ovarian cancer syndrome (HBOC); Hereditary breast and ovarian cancer syndrome; Hereditary breast and ovarian cancer; Breast and ovarian cancer; Hereditary breast and/or ovarian cancer syndrome. Identifiers: Orphanet 145, MedGen C0677776, MeSH D061325, MONDO:0003582. Disease mechanism: loss of function.

Submissions (5):

Ambry Genetics
Classification: Uncertain significance for Hereditary cancer-predisposing syndrome. Last evaluated: 2024-11-13. Review status: criteria provided, single submitter. Criteria: Ambry Variant Classification Scheme 2023. Collection method: clinical testing. Allele origin: germline.
Comment: The p.D1547E variant (also known as c.4641T>A), located in coding exon 10 of the BRCA2 gene, results from a T to A substitution at nucleotide position 4641. The aspartic acid at codon 1547 is replaced by glutamic acid, an amino acid with highly similar properties. This amino acid position is not well conserved in available vertebrate species. In addition, the in silico prediction for this alteration is inconclusive. Based on the available evidence, the clinical significance of this variant remains unclear.

Labcorp Genetics (formerly Invitae), Labcorp
Classification: Uncertain significance for Hereditary breast ovarian cancer syndrome. Last evaluated: 2024-02-14. Review status: criteria provided, single submitter. Criteria: Invitae Variant Classification Sherloc (09022015). Collection method: clinical testing. Allele origin: germline.
Comment: This sequence change replaces aspartic acid, which is acidic and polar, with glutamic acid, which is acidic and polar, at codon 1547 of the BRCA2 protein (p.Asp1547Glu). This variant is not present in population databases (gnomAD no frequency). This variant has not been reported in the literature in individuals affected with BRCA2-related conditions. ClinVar contains an entry for this variant (Variation ID: 1742114). Advanced modeling of protein sequence and biophysical properties (such as structural, functional, and spatial information, amino acid conservation, physicochemical variation, residue mobility, and thermodynamic stability) performed at Invitae indicates that this missense variant is not expected to disrupt BRCA2 protein function with a negative predictive value of 95%. Experimental studies are conflicting or provide insufficient evidence to determine the effect of this variant on BRCA2 function (PMID: 21601571). In summary, the available evidence is currently insufficient to determine the role of this variant in disease. Therefore, it has been classified as a Variant of Uncertain Significance.

Quest Diagnostics Nichols Institute San Juan Capistrano
Classification: Uncertain significance. Last evaluated: 2023-08-03. Review status: criteria provided, single submitter. Criteria: Quest Diagnostics criteria. Collection method: clinical testing. Allele origin: unknown.
Comment: In the published literature, this variant has been reported to induce a minor reduction in luciferase activity in transfected cells in one functional study (PMID: 21601571 (2011)). Additional studies are needed to assess the global impact of this variant on gene or gene product. This variant has not been reported in large, multi-ethnic general populations (Genome Aggregation Database). Analysis of this variant using bioinformatics tools for the prediction of the effect of amino acid changes on protein structure and function yielded predictions that this variant is benign. Based on the available information, we are unable to determine the clinical significance of this variant.

University of Washington Department of Laboratory Medicine, University of Washington
Classification: Likely benign for Hereditary cancer-predisposing syndrome. Last evaluated: 2023-03-23. Review status: criteria provided, single submitter. Criteria: Dines et al. (Genet Med. 2020). Collection method: curation. Allele origin: germline.
Comment: Missense variant in a coldspot region where missense variants are very unlikely to be pathogenic (PMID:31911673).

BRCA2 exon 11 coldspot. Reclassification based on statistical prior probability.

Department of Pathology and Laboratory Medicine, Sinai Health System
Classification: Uncertain significance for Familial prostate cancer. Last evaluated: 2022-06-22. Review status: criteria provided, single submitter. Criteria: ACMG Guidelines, 2015. Collection method: clinical testing. Allele origin: germline. Affected: yes.

Literature cited by the submitters: PubMed 21601571 (cited by Labcorp Genetics (formerly Invitae), Labcorp and Quest Diagnostics Nichols Institute San Juan Capistrano).